The following is an entry in ClinVar:

ClinVar aggregate classification (germline): Pathogenic/Likely pathogenic. Review status: criteria provided, multiple submitters, no conflicts (2 of 4 stars). 3 submissions from 3 submitters: Pathogenic (1); Likely pathogenic (1). 1 of the submissions does not count toward it. Last evaluated 2025-03-03.

Conditions:
Primary ciliary dyskinesia. Also called: Ciliary dyskinesia. Identifiers: Orphanet 244, MedGen C0008780, MONDO:0016575, HP:0012265.

Allele frequency attached by ClinVar (database versions not stated): gnomAD exomes below 0.00001 and 0.00001; ExAC 0.00001; gnomAD 0.00001; TOPMed 0.00001.

Submissions (3):

Natera, Inc.
Classification: Likely pathogenic for Primary ciliary dyskinesia. Last evaluated: 2025-03-03. Review status: criteria provided, single submitter. Criteria: Natera Variant Classification Schema (03/2026). Collection method: clinical testing. Allele origin: germline.
Comment: The c.6335_6336insT variant in DNAH5 is a frameshift variant predicted to shift the reading frame beginning at codon 2112 and leads to a stop codon 10 codons downstream. This variant is expected to result in nonsense mediated decay, truncation, or a dysfunctional protein product. This variant is rare in the general population with a frequency below the threshold expected for the associated phenotype(s). Given the available evidence, this variant is classified as Likely Pathogenic.

Labcorp Genetics (formerly Invitae), Labcorp
Classification: Pathogenic for Primary ciliary dyskinesia. Last evaluated: 2024-01-24. Review status: criteria provided, single submitter. Criteria: Invitae Variant Classification Sherloc (09022015). Collection method: clinical testing. Allele origin: germline.
Comment: This sequence change creates a premature translational stop signal (p.Gln2112Hisfs*10) in the DNAH5 gene. It is expected to result in an absent or disrupted protein product. Loss-of-function variants in DNAH5 are known to be pathogenic (PMID: 11788826, 16627867). This variant is present in population databases (rs779506456, gnomAD 0.0009%). This premature translational stop signal has been observed in individual(s) with primary ciliary dyskinesia (Invitae). ClinVar contains an entry for this variant (Variation ID: 220402). For these reasons, this variant has been classified as Pathogenic.

Yale Center for Mendelian Genomics, Yale University
Classification: Likely pathogenic for Primary ciliary dyskinesia. Last evaluated: 2018-08-01. Review status: no assertion criteria provided. Collection method: literature only. Allele origin: germline. Affected: yes. Observed: 1 compound heterozygote. Study: Yale Center for Mendelian Genomics. Not counted in ClinVar's aggregate classification.

Literature cited by the submitters: PubMed 11788826 (cited by Labcorp Genetics (formerly Invitae), Labcorp); PubMed 16627867 (cited by Labcorp Genetics (formerly Invitae), Labcorp); PubMed 30067075 (cited by Yale Center for Mendelian Genomics, Yale University).

NM_001369.3(DNAH5):c.6335_6336insT (p.Gln2112fs)

Gene: DNAH5 (dynein axonemal heavy chain 5; minus strand). Cytogenetic location: 5p15.2.
Variant type: Insertion.
Coding change: c.6335_6336insT on transcript NM_001369.3 (MANE Select); coding-DNA positions 6335 to 6336, T inserted.
Protein change: p.Gln2112fs; shifts the reading frame from glutamine 2112.
Molecular consequence: frameshift variant.
Genome position: GRCh38 VCF-style: chr5-13829618-C-CA. GRCh37 (hg19) VCF-style: chr5-13829727-C-CA.
Other names: short protein forms Q2112fs.
Identifiers: ClinVar variation 220402 (VCV000220402.14), dbSNP rs779506456, ClinGen allele CA350172.
Genomic context (GRCh38, chr5:13,829,618, plus strand): 5'-CCTGGCCAAAACAACGTTGTCAATGAAGCCACAACTAGCCAACTTCACCCTTATGATAAT[C>CA]TGACGGTCAGGCACCATCATGGCCACTGAGCGGAAATTAATCTTCAAGTTTTCAGGGAGT-3'